The following is an entry in ClinVar:

ClinVar aggregate classification (germline): Uncertain significance (1 of 4 stars; one submission).

Conditions:
Hereditary cancer-predisposing syndrome. Also called: Hereditary neoplastic syndrome; Neoplastic Syndromes, Hereditary; Tumor predisposition; Hereditary Cancer Syndrome. Identifiers: Orphanet 140162, MedGen C0027672, MeSH D009386, MONDO:0015356.

Submission:

Ambry Genetics
Classification: Uncertain significance for Hereditary cancer-predisposing syndrome. Last evaluated: 2025-07-26. Review status: criteria provided, single submitter. Criteria: Ambry Variant Classification Scheme 2023. Collection method: clinical testing. Allele origin: germline.
Comment: The c.2917delG variant, located in coding exon 25 of the POLE gene, results from a deletion of one nucleotide at nucleotide position 2917, causing a translational frameshift with a predicted alternate stop codon (p.V973Sfs*9). This alteration is expected to result in loss of function by premature protein truncation or nonsense-mediated mRNA decay. Although biallelic loss of function of POLE has been associated with autosomal recessive POLE deficiency, haploinsufficiency of POLE has not been established as a mechanism of disease for POLE-related polymerase proofreading-associated polyposis (PPAP) and POLE-related CMMRD-like syndrome. Based on the supporting evidence, this variant is expected to be causative of POLE deficiency when present along with a second pathogenic variant on the other allele; however, its clinical significance for PPAP and POLE-related CMMRD-like syndrome is unclear.

NM_006231.4(POLE):c.2917del (p.Val973fs)

Gene: POLE (DNA polymerase epsilon, catalytic subunit; minus strand). Cytogenetic location: 12q24.33.
Variant type: Deletion.
Coding change: c.2917del on transcript NM_006231.4 (MANE Select); coding-DNA position 2917, one base deleted (G; older notation c.2917delG).
Protein change: p.Val973fs; shifts the reading frame from valine 973.
Molecular consequence: frameshift variant.
Genome position (GRCh38, 1-based): chr12:132,661,112, C deleted on the plus strand (G on the coding strand, the reverse complement: POLE is on the minus strand); the first of 2 consecutive C bases (chr12:132,661,112-132,661,113); deleting either gives the same sequence. VCF-style (leftmost placement, unchanged base first): chr12-132661111-AC-A. GRCh37 (hg19) VCF-style: chr12-133237697-AC-A.
Other names: short protein forms V973fs.
Identifiers: ClinVar variation 4141160 (VCV004141160.1).